The following is an entry in ClinVar:

NM_001853.4(COL9A3):c.332C>G (p.Pro111Arg)

Gene: COL9A3 (collagen type IX alpha 3 chain; plus strand). Cytogenetic location: 20q13.33.
Variant type: single nucleotide variant.
Coding change: c.332C>G on transcript NM_001853.4 (MANE Select); coding-DNA position 332, C replaced by G.
Protein change: p.Pro111Arg; replaces proline 111 with arginine.
Molecular consequence: missense variant.
Genome position (GRCh38, 1-based): chr20:62,821,203, C>G. VCF-style: chr20-62821203-C-G. GRCh37 (hg19) VCF-style: chr20-61452555-C-G.
Other names: short protein forms P111R.
Identifiers: ClinVar variation 2753890 (VCV002753890.3), dbSNP rs368744467, ClinGen allele CA409588058.

ClinVar aggregate classification (germline): Uncertain significance (1 of 4 stars; one submission).

Submission:

Labcorp Genetics (formerly Invitae), Labcorp
Classification: Uncertain significance. Last evaluated: 2025-06-02. Review status: criteria provided, single submitter. Criteria: Invitae Variant Classification Sherloc (09022015). Collection method: clinical testing. Allele origin: germline.
Comment: This sequence change replaces proline, which is neutral and non-polar, with arginine, which is basic and polar, at codon 111 of the COL9A3 protein (p.Pro111Arg). This variant is not present in population databases (gnomAD no frequency). This variant has not been reported in the literature in individuals affected with COL9A3-related conditions. ClinVar contains an entry for this variant (Variation ID: 2753890). Invitae Evidence Modeling of protein sequence and biophysical properties (such as structural, functional, and spatial information, amino acid conservation, physicochemical variation, residue mobility, and thermodynamic stability) indicates that this missense variant is not expected to disrupt COL9A3 protein function with a negative predictive value of 95%. In summary, the available evidence is currently insufficient to determine the role of this variant in disease. Therefore, it has been classified as a Variant of Uncertain Significance.